The following is an entry in ClinVar:

NM_001367624.2(ZNF469):c.6750A>C (p.Leu2250Phe)

Gene: ZNF469 (zinc finger protein 469; plus strand). Cytogenetic location: 16q24.2.
Variant type: single nucleotide variant.
Coding change: c.6750A>C on transcript NM_001367624.2 (MANE Select); coding-DNA position 6750, A replaced by C.
Protein change: p.Leu2250Phe; replaces leucine 2250 with phenylalanine.
Molecular consequence: missense variant.
Genome position (GRCh38, 1-based): chr16:88,434,220, A>C. VCF-style: chr16-88434220-A-C. GRCh37 (hg19) VCF-style: chr16-88500628-A-C.
Other names: NM_001127464.1:c.6666A>C; short protein forms L2250F.
Identifiers: ClinVar variation 2564284 (VCV002564284.2), dbSNP rs1352197645, ClinGen allele CA397106757.

ClinVar aggregate classification (germline): Uncertain significance (1 of 4 stars; one submission).

Conditions:
Cardiovascular phenotype. Identifiers: MedGen CN230736.

Submission:

Ambry Genetics
Classification: Uncertain significance for Cardiovascular phenotype. Last evaluated: 2023-06-14. Review status: criteria provided, single submitter. Criteria: Ambry Variant Classification Scheme 2023. Collection method: clinical testing. Allele origin: germline.
Comment: The p.L2222F variant (also known as c.6666A>C), located in coding exon 2 of the ZNF469 gene, results from an A to C substitution at nucleotide position 6666. The leucine at codon 2222 is replaced by phenylalanine, an amino acid with highly similar properties. This amino acid position is conserved. In addition, this alteration is predicted to be tolerated by in silico analysis. Since supporting evidence is limited at this time, the clinical significance of this alteration remains unclear.